The following is an entry in ClinVar:

ClinVar aggregate classification (germline): Pathogenic (1 of 4 stars; one submission).

Conditions:
Ataxia-telangiectasia syndrome (AT). Also called: Ataxia telangiectasia (A-T); ATAXIA-TELANGIECTASIA, COMPLEMENTATION GROUP A; ATAXIA-TELANGIECTASIA, FRESNO VARIANT; Ataxia-telangiectasia; Ataxia-telangiectasia, complementation group E; LOUIS-BAR SYNDROME. Identifiers: Orphanet 100, MedGen C0004135, MONDO:0008840, OMIM 208900.

Submission:

Labcorp Genetics (formerly Invitae), Labcorp
Classification: Pathogenic for Ataxia-telangiectasia syndrome. Last evaluated: 2020-03-09. Review status: criteria provided, single submitter. Criteria: Invitae Variant Classification Sherloc (09022015). Collection method: clinical testing. Allele origin: germline.
Comment: Loss-of-function variants in ATM are known to be pathogenic (PMID: 23807571, 25614872). This variant has not been reported in the literature in individuals with ATM-related conditions. This variant is not present in population databases (ExAC no frequency). This sequence change creates a premature translational stop signal (p.Phe2189Leufs*7) in the ATM gene. It is expected to result in an absent or disrupted protein product. For these reasons, this variant has been classified as Pathogenic.

Literature cited by the submitters: PubMed 23807571; PubMed 25614872.

NM_000051.4(ATM):c.6565_6566del (p.Phe2189fs)

Genes: ATM (ATM serine/threonine kinase; plus strand), C11orf65 (chromosome 11 open reading frame 65; minus strand). Cytogenetic location: 11q22.3.
Variant type: Deletion.
Coding change: c.6565_6566del on transcript NM_000051.4 (MANE Select); coding-DNA positions 6565 to 6566, 2 bases deleted (TT; older notation c.6565_6566delTT).
Protein change: p.Phe2189fs; shifts the reading frame from phenylalanine 2189.
Molecular consequence: frameshift variant. On other transcripts: intron variant (2).
Genome position (GRCh38, 1-based): chr11:108,321,413-108,321,414, TT deleted; deleting any 2 consecutive bases within chr11:108,321,411-108,321,414 gives the same sequence; the c. name uses the placement nearest the transcript's 3' end. VCF-style (leftmost placement, unchanged base first): chr11-108321410-CTT-C. GRCh37 (hg19) VCF-style: chr11-108192137-CTT-C.
Other names: c.6565_6566del, p.Phe2189fs (NM_001351834.2); c.641-12341_641-12340del (NM_001330368.2); c.*39-12341_*39-12340del (NM_001351110.2); short protein forms F2189fs.
Identifiers: ClinVar variation 1075569 (VCV001075569.8), dbSNP rs2136243287, ClinGen allele CA2499220690.